The following is an entry in ClinVar:

ClinVar aggregate classification (germline): Uncertain significance (1 of 4 stars; one submission).

Conditions:
Microcephaly. Also called: Microcephaly (disease). Identifiers: MedGen C4551563, MONDO:0001149, HP:0000252.
Decreased response to growth hormone stimulation test. Also called: Growth hormone deficiency. Identifiers: MedGen C5539399, HP:0000824.
Dysmorphic features. Identifiers: MedGen C0432072.
Global developmental delay (DD). Also called: Cognitive delay. Identifiers: MedGen C0557874, HP:0001263. Disease mechanism: loss of function.
Short stature. Identifiers: MedGen C0349588, HP:0004322.

Allele frequency attached by ClinVar (database versions not stated): gnomAD exomes 0.00002 and 0.00006; ExAC 0.00003; gnomAD 0.00005; TOPMed 0.00006; ESP Exome Variant Server 0.00015.
gnomAD v4.1: 88 of 1,613,758 alleles (0.0055%); highest among the groups gnomAD compares: Non-Finnish European, 0.007%; no homozygotes.

Submission:

GeneDx
Classification: Uncertain significance for global developmental delay; growth hormone deficiency; short stature; microcephaly; dysmorphic features. Review status: criteria provided, single submitter. Criteria: GeneDx Variant Classification (06012015). Collection method: clinical testing. Allele origin: paternal. Affected: yes.
Comment: The D155E variant in the NSMCE2 gene has been observed in the compound heterozygous state in GeneDx whole exome sequencing data in association with global developmental delay, growth hormone deficiency, short stature, microcephaly, and dysmorphic features. The D155E variant is observed in 0.0021% (6/282866 alleles) in large population cohorts (Lek et al., 2016). In silico analysis supports that this missense variant has a deleterious effect on protein structure/function. We interpret D155E as a variant of uncertain significance.

NM_173685.4(NSMCE2):c.465T>G (p.Asp155Glu)

Gene: NSMCE2 (NSE2 (MMS21) homolog, SMC5-SMC6 complex SUMO ligase; plus strand). Cytogenetic location: 8q24.13.
Variant type: single nucleotide variant.
Coding change: c.465T>G on transcript NM_173685.4 (MANE Select); coding-DNA position 465, T replaced by G.
Protein change: p.Asp155Glu; replaces aspartic acid 155 with glutamic acid.
Molecular consequence: missense variant. On other transcripts: non-coding transcript variant (1).
Genome position (GRCh38, 1-based): chr8:125,357,265, T>G. VCF-style: chr8-125357265-T-G. GRCh37 (hg19) VCF-style: chr8-126369507-T-G.
Other names: c.465T>G, p.Asp155Glu (NM_001349485.2, NM_001349486.2); short protein forms D155E.
Identifiers: ClinVar variation 873019 (VCV000873019.1), dbSNP rs374349288, ClinGen allele CA4874410.